The following is an entry in ClinVar:

NM_000143.4(FH):c.1391G>T (p.Gly464Val)

Gene: FH (fumarate hydratase; minus strand). Cytogenetic location: 1q43.
Variant type: single nucleotide variant.
Coding change: c.1391G>T on transcript NM_000143.4 (MANE Select); coding-DNA position 1391, G replaced by T.
Protein change: p.Gly464Val; replaces glycine 464 with valine.
Molecular consequence: missense variant.
Genome position (GRCh38, 1-based): chr1:241,497,970, C>A on the plus strand (G>T on the coding strand, the complement: FH is on the minus strand). VCF-style: chr1-241497970-C-A. GRCh37 (hg19) VCF-style: chr1-241661270-C-A.
Other names: short protein forms G464V.
Identifiers: ClinVar variation 529810 (VCV000529810.11), dbSNP rs1131691250, ClinGen allele CA345451179.
Genomic context (GRCh38, chr1:241,497,970, plus strand): 5'-TCCTTTAAGGTTGATCCATTTTTGTGTGCTGTCTTAGCAATCTTTGCTGCCTTGTCATAC[C>A]CTGAAGAAAAAATAAAAAGACGACATATGGGTTAGCAGTGATATTTGGTTTCCTAAAGCA-3'
Protein context (NP_000134.2, residues 454-474): MLVTALNPHI[Gly464Val]YDKAAKIAKT

ClinVar aggregate classification (germline): Conflicting classifications of pathogenicity. Review status: criteria provided, conflicting classifications (1 of 4 stars). 2 submissions from 2 submitters: Likely pathogenic (1); Uncertain significance (1). Last evaluated 2024-08-14.

Conditions:
Hereditary cancer-predisposing syndrome. Also called: Hereditary neoplastic syndrome; Neoplastic Syndromes, Hereditary; Hereditary Cancer Syndrome; Tumor predisposition. Identifiers: Orphanet 140162, MedGen C0027672, MeSH D009386, MONDO:0015356.

Submissions (2):

Labcorp Genetics (formerly Invitae), Labcorp
Classification: Uncertain significance. Last evaluated: 2024-08-14. Review status: criteria provided, single submitter. Criteria: Invitae Variant Classification Sherloc (09022015). Collection method: clinical testing. Allele origin: germline.
Comment: This sequence change replaces glycine, which is neutral and non-polar, with valine, which is neutral and non-polar, at codon 464 of the FH protein (p.Gly464Val). This variant is not present in population databases (gnomAD no frequency). This variant has not been reported in the literature in individuals affected with FH-related conditions. ClinVar contains an entry for this variant (Variation ID: 529810). An algorithm developed to predict the effect of missense changes on protein structure and function (PolyPhen-2) suggests that this variant is likely to be disruptive. In summary, the available evidence is currently insufficient to determine the role of this variant in disease. Therefore, it has been classified as a Variant of Uncertain Significance.

Ambry Genetics
Classification: Likely pathogenic for Hereditary cancer-predisposing syndrome. Last evaluated: 2017-08-17. Review status: criteria provided, single submitter. Criteria: Ambry Variant Classification Scheme 2023. Collection method: clinical testing. Allele origin: germline.
Comment: The p.G464V variant (also known as c.1391G>T) is located in coding exon 10 of the FH gene. The glycine at codon 464 is replaced by valine, an amino acid with dissimilar properties. This change occurs in the first base pair of coding exon 10. This amino acid position is highly conserved in available vertebrate species. In addition, this alteration is predicted to be deleterious by in silico analysis. Internal structural analysis indicates that p.G464V destabilizes the local structure on the stable hotspot domain, which is functionally important (Weaver T et al. J. Mol. Biol. 1998 Jul;280:431-42; Phan I et al. Acta Crystallogr. Sect. F Struct. Biol. Cryst, 2011 Sep;67:1123-8). Based on the majority of available evidence to date, this variant is likely to be pathogenic.

Literature cited by the submitters: PubMed 21904061 (cited by Ambry Genetics); PubMed 9665847 (cited by Ambry Genetics).